The following is an entry in ClinVar:

NM_000404.4(GLB1):c.4C>G (p.Pro2Ala)

Genes: GLB1 (galactosidase beta 1; minus strand), TMPPE (transmembrane protein with metallophosphoesterase domain; minus strand), LOC129936434 (ATAC-STARR-seq lymphoblastoid silent region 14182; plus strand). Cytogenetic location: 3p22.3.
Variant type: single nucleotide variant.
Coding change: c.4C>G on transcript NM_000404.4 (MANE Select); coding-DNA position 4, C replaced by G.
Protein change: p.Pro2Ala; replaces proline 2 with alanine.
Molecular consequence: missense variant. On other transcripts: 5 prime UTR variant (2).
Genome position (GRCh38, 1-based): chr3:33,097,082, G>C on the plus strand (C>G on the coding strand, the complement: GLB1 is on the minus strand). VCF-style: chr3-33097082-G-C. GRCh37 (hg19) VCF-style: chr3-33138574-G-C.
Other names: c.4C>G, p.Pro2Ala (NM_001135602.3, NM_001317040.2, NM_001393580.1); c.-472C>G (NM_001039770.3); c.-368C>G (NM_001136238.2); short protein forms P2A.
Identifiers: ClinVar variation 1500439 (VCV001500439.6), dbSNP rs772539129, ClinGen allele CA72685419.
Genomic context (GRCh38, chr3:33,097,082, plus strand): 5'-GCGTAGGGCCCAGAAGCAGCAGAACCAGCAACAGAGGGAGGATGCGAACCAGGAACCCCG[G>C]CATGACCACCAGCCTCCCGGCTCTGCAGTCGGCGCCCAGGCCGGCCGCTTCGCGTCACTT-3'
Protein context (NP_000395.3, residues 1-12): M[Pro2Ala]GFLVRILPLL

ClinVar aggregate classification (germline): Uncertain significance (1 of 4 stars; one submission).

Conditions:
GM1 gangliosidosis. Identifiers: Orphanet 354, MedGen C0085131, MONDO:0018149.
Mucopolysaccharidosis, MPS-IV-B (MPS4B). Also called: MORQUIO SYNDROME B; Mucopolysaccharidosis Type IVB (Morquio B Disease); Mucopolysaccharidosis type 4B; Mucopolysaccharidosis type IVB (Morquio); MPS IVB; Mucopolysaccharidosis type IV B. Identifiers: Orphanet 309310, Orphanet 582, MedGen C0086652, MONDO:0009660, OMIM 253010.

gnomAD v4.1: 2 of 1,612,424 alleles (0.00012%); highest among the groups gnomAD compares: African/African-American, 0.0027%; no homozygotes.

Submission:

Labcorp Genetics (formerly Invitae), Labcorp
Classification: Uncertain significance for Mucopolysaccharidosis, MPS-IV-B; GM1 gangliosidosis. Last evaluated: 2022-08-10. Review status: criteria provided, single submitter. Criteria: Invitae Variant Classification Sherloc (09022015). Collection method: clinical testing. Allele origin: germline.
Comment: This sequence change replaces proline, which is neutral and non-polar, with alanine, which is neutral and non-polar, at codon 2 of the GLB1 protein (p.Pro2Ala). This variant is not present in population databases (gnomAD no frequency). This variant has not been reported in the literature in individuals affected with GLB1-related conditions. ClinVar contains an entry for this variant (Variation ID: 1500439). Advanced modeling of protein sequence and biophysical properties (such as structural, functional, and spatial information, amino acid conservation, physicochemical variation, residue mobility, and thermodynamic stability) performed at Invitae indicates that this missense variant is not expected to disrupt GLB1 protein function. In summary, the available evidence is currently insufficient to determine the role of this variant in disease. Therefore, it has been classified as a Variant of Uncertain Significance.